The following is an entry in ClinVar:

ClinVar aggregate classification (germline): Pathogenic (1 of 4 stars; one submission).

Submission:

Quest Diagnostics Nichols Institute San Juan Capistrano
Classification: Pathogenic. Last evaluated: 2022-06-20. Review status: criteria provided, single submitter. Criteria: ACMG/ClinGen CNV Guidelines, 2019. Collection method: clinical testing. Allele origin: unknown.
Comment: The copy number loss of 1p34.3 involves 26 protein-coding genes, including all of AGO1 (OMIM 606228), AGO3 (OMIM 607355), and the entire GRIK3 gene except exon 1 (NM_000831.4, OMIM 138243). While rare, de novo interstitial hemizygous deletions of 1p34.3p34.2 have been reported in multiple unrelated patients with a variety of phenotypic findings such as developmental delay, hypotonia, facial dysmorphisms, and mild microcephaly. Especially, patients with deletions similar to or smaller than the current interval share phenotypes including early feeding problems, developmental delay, and hypotonia. Haploinsufficiency of AGO1 and AGO3 or GRIK3 has been suggested to contribute to the observed neurocognitive deficits (Dagklis 2016, Tokita 2015, Takenouchi 2014). Further, there are no similar copy number losses of this region in the general populations of the Database of Genomic Variants. Additional information of this deletion: this interval contains five genes that are associated with autosomal dominant disorders in OMIM, including GJB4 (OMIM 605425), GJB3 (OMIM 603324), NCDN (OMIM 608458), COL8A2 (OMIM 120252), and CSF3R (OMIM 138971), and three genes that are associated with autosomal recessive disorders, including GJB3, CSF3R, and ADPRS (OMIM 610624). References: Dagklis et al., Mol Cytogenet. 2016 Oct 6;9:77. PMID: 27713767. Takenouchi et al., Am J Med Genet A. 2014 Feb;164A(2):456-60. PMID: 24449200. Tokita et al., Eur J Hum Genet. 2015 Jun;23(6):761-5. PMID: 25271087.

GRCh37/hg19 1p34.3(chr1:35104233-37357913)x1

Genes: ADPRS (ADP-ribosylserine hydrolase; plus strand), AGO1 (argonaute RISC component 1; plus strand), AGO3 (argonaute RISC catalytic component 3; plus strand), AGO4 (argonaute RISC component 4; plus strand), C1orf216 (chromosome 1 open reading frame 216; minus strand) and 29 more. Cytogenetic location: 1p34.3.
Variant type: copy number loss.
Change: copy number 1 (one copy instead of two) of chr1:35,104,233-37,357,913 (2.25 Mb, GRCh37 coordinates, 1-based), cytogenetic band 1p34.3.
Identifiers: ClinVar variation 1808707 (VCV001808707.1).